The following is an entry in ClinVar:

ClinVar aggregate classification (germline): Pathogenic. Review status: criteria provided, multiple submitters, no conflicts (2 of 4 stars). 5 submissions from 5 submitters: Pathogenic (4). 1 of the submissions does not count toward it. Last evaluated 2026-08-12.

Conditions:
Tuberous sclerosis syndrome (TSC). Also called: Tuberous Sclerosis Complex; Tuberous sclerosis. Identifiers: Orphanet 805, MedGen C0041341, MONDO:0001734.
Hereditary cancer-predisposing syndrome. Also called: Neoplastic Syndromes, Hereditary; Hereditary neoplastic syndrome; Hereditary Cancer Syndrome; Tumor predisposition. Identifiers: Orphanet 140162, MedGen C0027672, MeSH D009386, MONDO:0015356.
Tuberous sclerosis 2 (TSC2). Identifiers: Orphanet 805, MedGen C1860707, MONDO:0013199, OMIM 613254.

Submissions (5):

GeneDx
Classification: Pathogenic. Last evaluated: 2026-08-12. Review status: criteria provided, single submitter. Criteria: GeneDx Variant Classification Process June 2021. Collection method: clinical testing. Allele origin: germline.
Comment: Frameshift variant predicted to result in protein truncation or nonsense mediated decay in a gene for which loss of function is a known mechanism of disease; Not observed at significant frequency in large population cohorts (gnomAD); This variant is associated with the following publications: (PMID: 34328706, 17304050, 25782670, 15595939)

Ambry Genetics
Classification: Pathogenic for Hereditary cancer-predisposing syndrome. Last evaluated: 2026-01-15. Review status: criteria provided, single submitter. Criteria: Ambry Variant Classification Scheme 2023. Collection method: clinical testing. Allele origin: germline.
Comment: The c.138_138+1delAG pathogenic mutation results from a deletion of two nucleotides between positions 138 and 138+1 and involves the canonical splice donor site after coding exon 1 of the TSC2 gene. This variant was reported in individual(s) with features consistent with tuberous sclerosis complex (Au KS et al. Genet Med 2007 Feb;9(2):88-100; Kwiatkowski DJ et al. Eur J Hum Genet 2015 Dec;23(12):1665-72; Manzanilla-Romero HH et al. Am J Med Genet A 2021 Dec;185(12):3851-3858; Ambry internal data). This variant is considered to be rare based on population cohorts in the Genome Aggregation Database (gnomAD). The canonical splice donor site is highly conserved in available vertebrate species. In silico splice site analysis predicts that this alteration will weaken the native splice donor site and will result in the creation or strengthening of a novel splice donor site; however, the exact impact of this deletion on splicing and function is currently unknown. Alterations that disrupt the canonical splice site are expected to cause aberrant splicing, resulting in an abnormal protein or a transcript that is subject to nonsense-mediated mRNA decay. As such, this alteration is interpreted as a disease-causing mutation.

Genome-Nilou Lab
Classification: Pathogenic for Tuberous sclerosis 2. Last evaluated: 2021-11-07. Review status: criteria provided, single submitter. Criteria: ACMG Guidelines, 2015. Collection method: clinical testing. Allele origin: germline. Affected: no.

Labcorp Genetics (formerly Invitae), Labcorp
Classification: Pathogenic for Tuberous sclerosis 2. Last evaluated: 2019-01-01. Review status: criteria provided, single submitter. Criteria: Invitae Variant Classification Sherloc (09022015). Collection method: clinical testing. Allele origin: germline.
Comment: For these reasons, this variant has been classified as Pathogenic. Donor and acceptor splice site variants typically lead to a loss of protein function (PMID: 16199547), and loss-of-function variants in TSC2 are known to be pathogenic (PMID: 10205261, 17304050). Disruption of this splice site has been observed in several individuals affected with tuberous sclerosis (PMID: 15595939, 25782670, 8990012, 9829910). ClinVar contains an entry for this variant (Variation ID: 49675). This variant is not present in population databases (ExAC no frequency). This sequence change affects a donor splice site in intron 2 of the TSC2 gene. It is expected to disrupt RNA splicing and likely results in an absent or disrupted protein product.

Tuberous sclerosis database (TSC2)
No classification provided. Condition: TSC. Review status: no classification provided. Criteria: Tuberous Sclerosis Database Assertion Criteria 2015. Collection method: curation. Allele origin: germline. Affected: yes. Not counted in ClinVar's aggregate classification.

Literature cited by the submitters: PubMed 17304050 (cited by Ambry Genetics and Labcorp Genetics (formerly Invitae), Labcorp); PubMed 25782670 (cited by Ambry Genetics and Labcorp Genetics (formerly Invitae), Labcorp); PubMed 34328706 (cited by Ambry Genetics); PubMed 16199547 (cited by Labcorp Genetics (formerly Invitae), Labcorp); PubMed 10205261 (cited by Labcorp Genetics (formerly Invitae), Labcorp); PubMed 15595939 (cited by Labcorp Genetics (formerly Invitae), Labcorp); PubMed 8990012 (cited by Labcorp Genetics (formerly Invitae), Labcorp); PubMed 9829910 (cited by Labcorp Genetics (formerly Invitae), Labcorp).

NM_000548.5(TSC2):c.138_138+1del

Gene: TSC2 (TSC complex subunit 2; plus strand). Cytogenetic location: 16p13.3.
Variant type: Microsatellite.
Coding change: c.138_138+1del on transcript NM_000548.5 (MANE Select); coding-DNA position 138 through the canonical splice donor site of the intron after coding-DNA position 138, 2 bases deleted (AG; older notation c.138_138+1delAG).
Molecular consequence: splice donor variant. On other transcripts: intron variant (1).
Genome position (GRCh38, 1-based): chr16:2,048,753-2,048,754, AG deleted; deleting any 2 consecutive bases within chr16:2,048,750-2,048,754 gives the same sequence; the c. name uses the placement nearest the transcript's 3' end. VCF-style (leftmost placement, unchanged base first): chr16-2048749-TGA-T. GRCh37 (hg19) VCF-style: chr16-2098750-TGA-T.
Other names: c.138_138+1delAG (NM_000548.3); c.138_138+1del (NM_001114382.3, NM_021055.3, NM_001370405.1 and 4 more transcripts); c.-89_-89+1del (NM_001318831.2); c.-10+688_-10+689del (NM_001318829.2); c.171_171+1del (NM_001318832.2).
Identifiers: ClinVar variation 49675 (VCV000049675.15), dbSNP rs137854117, ClinGen allele CA262847.
Genomic context (GRCh38, chr16:2,048,749, plus strand): 5'-GGCCAAATCCCAGGTCTGCAGAGGGTAAACAGACGGAGTTTATCATCACCGCGGAAATAC[TGA>T]GAGTGAGTGAGCTACCTGTGTCTTTGCTAGGCTAGAGGGAAATGCAGAGAAGGCTGGGTT-3'